The following is an entry in ClinVar:

NM_001375380.1(EBF3):c.1373-10A>G

Gene: EBF3 (EBF transcription factor 3; minus strand). Cytogenetic location: 10q26.3.
Variant type: single nucleotide variant.
Coding change: c.1373-10A>G on transcript NM_001375380.1 (MANE Select); 10 bases into the intron before coding-DNA position 1373, A replaced by G.
Molecular consequence: intron variant.
Genome position (GRCh38, 1-based): chr10:129,841,042, T>C on the plus strand (A>G on the coding strand, the complement: EBF3 is on the minus strand). VCF-style: chr10-129841042-T-C. GRCh37 (hg19) VCF-style: chr10-131639306-T-C.
Other names: c.1346-600A>G (NM_001375392.1); c.1346-10A>G (NM_001005463.3, NM_001375390.1); c.1373-10A>G (NM_001375391.1, NM_001375389.1, NM_001375379.1).
Identifiers: ClinVar variation 3033969 (VCV003033969.2), dbSNP rs866258379, ClinGen allele CA215530024.

ClinVar aggregate classification (germline): Likely benign (0 of 4 stars; one submission).

Conditions:
EBF3-related disorder. Identifiers: MedGen CN239924.

Allele frequency attached by ClinVar (database versions not stated): gnomAD exomes 0.00059; gnomAD 0.00172.
gnomAD v4.1: 1,043 of 1,509,798 alleles (0.069%); highest among the groups gnomAD compares: African/African-American, 0.2%; 2 homozygotes.

Submission:

PreventionGenetics, part of Exact Sciences
Classification: Likely benign for EBF3-related condition. Last evaluated: 2019-06-17. Review status: no assertion criteria provided. Collection method: clinical testing. Allele origin: germline.
Comment: This variant is classified as likely benign based on ACMG/AMP sequence variant interpretation guidelines (Richards et al. 2015 PMID: 25741868, with internal and published modifications).